The following is an entry in ClinVar:

ClinVar aggregate classification (germline): Uncertain significance (1 of 4 stars; one submission).

Submission:

Labcorp Genetics (formerly Invitae), Labcorp
Classification: Uncertain significance. Last evaluated: 2025-06-02. Review status: criteria provided, single submitter. Criteria: Invitae Variant Classification Sherloc (09022015). Collection method: clinical testing. Allele origin: germline.
Comment: This variant, c.1071_1076del, results in the deletion of 2 amino acid(s) of the POGLUT1 protein (p.Cys357_Tyr358del), but otherwise preserves the integrity of the reading frame. This variant is not present in population databases (gnomAD no frequency). This variant has not been reported in the literature in individuals affected with POGLUT1-related conditions. Experimental studies and prediction algorithms are not available or were not evaluated, and the functional significance of this variant is currently unknown. In summary, the available evidence is currently insufficient to determine the role of this variant in disease. Therefore, it has been classified as a Variant of Uncertain Significance.

NM_152305.3(POGLUT1):c.1071_1076del (p.Cys357_Tyr358del)

Gene: POGLUT1 (protein O-glucosyltransferase 1; plus strand). Cytogenetic location: 3q13.33.
Variant type: Deletion.
Coding change: c.1071_1076del on transcript NM_152305.3 (MANE Select); coding-DNA positions 1071 to 1076, 6 bases deleted (TTACTG; older notation c.1071_1076delTTACTG).
Protein change: p.Cys357_Tyr358del.
Molecular consequence: non-coding transcript variant (on NR_024265.2).
Genome position (GRCh38, 1-based): chr3:119,492,330-119,492,335, TTACTG deleted; deleting any 6 consecutive bases within chr3:119,492,327-119,492,335 gives the same sequence; the c. name uses the placement nearest the transcript's 3' end. VCF-style (leftmost placement, unchanged base first): chr3-119492326-CCTGTTA-C. GRCh37 (hg19) VCF-style: chr3-119211173-CCTGTTA-C.
Identifiers: ClinVar variation 4809073 (VCV004809073.1).
Genomic context (GRCh38, chr3:119,492,326, plus strand): 5'-TAAATCTTGTCTCTAGGGGAAGCCAGTTTATTAGGAACCATTTGCAGATGGATGACATCA[CCTGTTA>C]CTGGGAGAACCTCTTGAGTGAATACTCTAAATTCCTGTCTTATAATGTAACGAGAAGGAA-3'